The following is an entry in ClinVar:

ClinVar aggregate classification (germline): Uncertain significance (1 of 4 stars; one submission).

gnomAD v4.1: 1 of 1,614,104 alleles (0.000062%); highest among the groups gnomAD compares: South Asian, 0.0011%; no homozygotes.

Submission:

Labcorp Genetics (formerly Invitae), Labcorp
Classification: Uncertain significance. Last evaluated: 2024-03-07. Review status: criteria provided, single submitter. Criteria: Invitae Variant Classification Sherloc (09022015). Collection method: clinical testing. Allele origin: germline.
Comment: This sequence change replaces asparagine, which is neutral and polar, with lysine, which is basic and polar, at codon 645 of the TRAPPC9 protein (p.Asn645Lys). This variant is not present in population databases (gnomAD no frequency). This variant has not been reported in the literature in individuals affected with TRAPPC9-related conditions. An algorithm developed to predict the effect of missense changes on protein structure and function (PolyPhen-2) suggests that this variant is likely to be tolerated. In summary, the available evidence is currently insufficient to determine the role of this variant in disease. Therefore, it has been classified as a Variant of Uncertain Significance.

NM_001160372.4(TRAPPC9):c.1641C>A (p.Asn547Lys)

Gene: TRAPPC9 (trafficking protein particle complex subunit 9; minus strand). Cytogenetic location: 8q24.3.
Variant type: single nucleotide variant.
Coding change: c.1641C>A on transcript NM_001160372.4 (MANE Select); coding-DNA position 1641, C replaced by A.
Protein change: p.Asn547Lys; replaces asparagine 547 with lysine.
Molecular consequence: missense variant. On other transcripts: non-coding transcript variant (1).
Genome position (GRCh38, 1-based): chr8:140,300,596, G>T on the plus strand (C>A on the coding strand, the complement: TRAPPC9 is on the minus strand). VCF-style: chr8-140300596-G-T. GRCh37 (hg19) VCF-style: chr8-141310695-G-T.
Other names: c.1614C>A, p.Asn538Lys (NM_001321646.2); c.1662C>A, p.Asn554Lys (NM_001374682.1); c.1641C>A, p.Asn547Lys (NM_001374683.1, NM_031466.8); c.1497C>A, p.Asn499Lys (NM_001374684.1); short protein forms N554K, N547K, N538K, N499K.
Identifiers: ClinVar variation 3646847 (VCV003646847.2).